The following is an entry in ClinVar:

ClinVar aggregate classification (germline): Uncertain significance. Review status: criteria provided, multiple submitters, no conflicts (2 of 4 stars). 4 submissions from 4 submitters: Uncertain significance (3). 1 of the submissions does not count toward it. Last evaluated 2025-09-11.

Conditions:
Retinal dystrophy. Also called: Inherited retinal dystrophy. Identifiers: Orphanet 71862, MedGen C0854723, MeSH D058499, MONDO:0019118, HP:0000556.
Achromatopsia 3 (ACHM3). Also called: ACHROMATOPSIA WITH MYOPIA; PINGELAPESE BLINDNESS; TOTAL COLORBLINDNESS WITH MYOPIA; ROD MONOCHROMACY 1; ROD MONOCHROMATISM 1. Identifiers: Orphanet 49382, MedGen C1849792, MONDO:0009875, OMIM 262300.

Allele frequency attached by ClinVar (database versions not stated): ExAC 0.00002; ESP Exome Variant Server 0.00008.
gnomAD v4.1: 121 of 1,613,508 alleles (0.0075%); highest among the groups gnomAD compares: Non-Finnish European, 0.0097%; no homozygotes.

Submissions (4):

Myriad Genetics, Inc.
Classification: Uncertain significance for Achromatopsia 3. Last evaluated: 2025-09-11. Review status: criteria provided, single submitter. Criteria: Myriad Autosomal Dominant, Autosomal Recessive and X-Linked Classification Criteria (2023). Collection method: clinical testing. Allele origin: unknown.
Comment: NM_019098.4(CNGB3):c.418C>T(R140C) is a missense variant classified as a variant of uncertain significance in the context of achromatopsia, CNGB3-related. R140C has not been observed in a case with relevant disease. Relevant functional assessments of this variant are not available in the literature. R140C has been observed in referenced population frequency databases. In summary, there is insufficient evidence to classify NM_019098.4(CNGB3):c.418C>T(R140C) as pathogenic or benign. Please note: this variant was assessed in the context of healthy population screening.

Blueprint Genetics
Classification: Uncertain significance. Last evaluated: 2024-02-15. Review status: criteria provided, single submitter. Criteria: ACMG Guidelines, 2015. Collection method: clinical testing. Allele origin: germline.

Labcorp Genetics (formerly Invitae), Labcorp
Classification: Uncertain significance. Last evaluated: 2022-06-20. Review status: criteria provided, single submitter. Criteria: Invitae Variant Classification Sherloc (09022015). Collection method: clinical testing. Allele origin: germline.
Comment: This sequence change replaces arginine, which is basic and polar, with cysteine, which is neutral and slightly polar, at codon 140 of the CNGB3 protein (p.Arg140Cys). This variant is present in population databases (rs146488853, gnomAD 0.007%). This variant has not been reported in the literature in individuals affected with CNGB3-related conditions. Advanced modeling of protein sequence and biophysical properties (such as structural, functional, and spatial information, amino acid conservation, physicochemical variation, residue mobility, and thermodynamic stability) performed at Invitae indicates that this missense variant is not expected to disrupt CNGB3 protein function. In summary, the available evidence is currently insufficient to determine the role of this variant in disease. Therefore, it has been classified as a Variant of Uncertain Significance.

Institute of Human Genetics, Univ. Regensburg, Univ. Regensburg
Classification: Uncertain significance for Retinal dystrophy. Last evaluated: 2020-01-01. Review status: no assertion criteria provided. Criteria: ACMG Guidelines, 2015. Collection method: clinical testing. Allele origin: germline. Affected: yes. Not counted in ClinVar's aggregate classification.

NM_019098.5(CNGB3):c.418C>T (p.Arg140Cys)

Gene: CNGB3 (cyclic nucleotide gated channel subunit beta 3; minus strand). Cytogenetic location: 8q21.3.
Variant type: single nucleotide variant.
Coding change: c.418C>T on transcript NM_019098.5 (MANE Select); coding-DNA position 418, C replaced by T.
Protein change: p.Arg140Cys; replaces arginine 140 with cysteine.
Molecular consequence: missense variant.
Genome position (GRCh38, 1-based): chr8:86,671,019, G>A on the plus strand (C>T on the coding strand, the complement: CNGB3 is on the minus strand). VCF-style: chr8-86671019-G-A. GRCh37 (hg19) VCF-style: chr8-87683247-G-A.
Other names: short protein forms R140C.
Identifiers: ClinVar variation 2147931 (VCV002147931.4), dbSNP rs146488853, ClinGen allele CA4800405.
Genomic context (GRCh38, chr8:86,671,019, plus strand): 5'-CTTCGGGTGAGGAGAGATCTCCCTCTACCAACTTTTTCTTGTAGAGGGCTGTTCTTTGAC[G>A]CATTCTTTTCACCAGGTTGTGTAGCTGGGCATCGGCATACTCATTTATAACAGGAGCTGC-3'
Protein context (NP_061971.3, residues 130-150): AQLHNLVKRM[Arg140Cys]QRTALYKKKL